The following is an entry in ClinVar:

ClinVar aggregate classification (germline): Uncertain significance (1 of 4 stars; one submission).

Submission:

GeneDx
Classification: Uncertain significance. Last evaluated: 2022-04-19. Review status: criteria provided, single submitter. Criteria: GeneDx Variant Classification Process June 2021. Collection method: clinical testing. Allele origin: germline. Affected: yes.
Comment: Not observed at significant frequency in large population cohorts (gnomAD); In silico analysis supports that this missense variant has a deleterious effect on protein structure/function; Has not been previously published as pathogenic or benign to our knowledge

NM_024757.5(EHMT1):c.1148C>G (p.Ser383Trp)

Gene: EHMT1 (euchromatic histone lysine methyltransferase 1; plus strand). Cytogenetic location: 9q34.3.
Variant type: single nucleotide variant.
Coding change: c.1148C>G on transcript NM_024757.5 (MANE Select); coding-DNA position 1148, C replaced by G.
Protein change: p.Ser383Trp; replaces serine 383 with tryptophan.
Molecular consequence: missense variant.
Genome position (GRCh38, 1-based): chr9:137,744,068, C>G. VCF-style: chr9-137744068-C-G. GRCh37 (hg19) VCF-style: chr9-140638520-C-G.
Other names: c.1148C>G, p.Ser383Trp (NM_001145527.2, NM_001354611.2); c.1055C>G, p.Ser352Trp (NM_001354259.2, NM_001354612.2); c.1127C>G, p.Ser376Trp (NM_001354263.2); short protein forms S352W, S376W, S383W.
Identifiers: ClinVar variation 1712217 (VCV001712217.2), dbSNP rs771654748, ClinGen allele CA375779980.